The following is an entry in ClinVar:

ClinVar aggregate classification (germline): Benign/Likely benign. Review status: criteria provided, multiple submitters, no conflicts (2 of 4 stars). 10 submissions from 10 submitters: Benign (4); Likely benign (6). Last evaluated 2026-01-27.

Conditions:
POLD1-related polyposis and colorectal cancer syndrome (CRCS10). Also called: Colorectal cancer, susceptibility to, 10; Colorectal cancer 10; COLORECTAL CANCER, SUSCEPTIBILITY TO, ON CHROMOSOME 19q. Identifiers: Orphanet 220460, MedGen C2675481, MONDO:0012953, OMIM 612591.
Immunodeficiency 120. Identifiers: MedGen C5935622, MONDO:0970994, OMIM 620836.
Mandibular hypoplasia-deafness-progeroid syndrome. Also called: Mandibular hypoplasia, deafness, progeroid features, and lipodystrophy syndrome. Identifiers: Orphanet 363649, MedGen C3715192, MONDO:0014157, OMIM 615381.
Hereditary cancer-predisposing syndrome. Also called: Neoplastic Syndromes, Hereditary; Hereditary neoplastic syndrome; Hereditary Cancer Syndrome; Tumor predisposition. Identifiers: Orphanet 140162, MedGen C0027672, MeSH D009386, MONDO:0015356.

Allele frequency attached by ClinVar (database versions not stated): gnomAD exomes 0.00008 and 0.00016; 1000 Genomes Project 0.00020; ExAC 0.00021; ESP Exome Variant Server 0.00023; 1000 Genomes Project 30x 0.00031; gnomAD 0.00034 and 0.00035; TOPMed 0.00039.
gnomAD v4.1: 171 of 1,596,482 alleles (0.011%); highest among the groups gnomAD compares: African/African-American, 0.12%; 1 homozygote.

Submissions (10):

Labcorp Genetics (formerly Invitae), Labcorp
Classification: Benign for POLD1-related polyposis and colorectal cancer syndrome. Last evaluated: 2026-01-27. Review status: criteria provided, single submitter. Criteria: Invitae Variant Classification Sherloc (09022015). Collection method: clinical testing. Allele origin: germline.

Center for Genomic Medicine, Rigshospitalet, Copenhagen University Hospital
Classification: Likely benign. Last evaluated: 2025-03-04. Review status: criteria provided, single submitter. Criteria: ACMG Guidelines, 2015. Collection method: clinical testing. Allele origin: germline.

Myriad Genetics, Inc.
Classification: Benign for POLD1-related polyposis and colorectal cancer syndrome. Last evaluated: 2025-02-05. Review status: criteria provided, single submitter. Criteria: Myriad Autosomal Dominant, Autosomal Recessive and X-Linked Classification Criteria (2023). Collection method: clinical testing. Allele origin: unknown.
Comment: This variant is considered benign. This variant is a silent/synonymous amino acid change and it is not expected to impact splicing.

Blueprint Genetics
Classification: Likely benign. Last evaluated: 2024-10-07. Review status: criteria provided, single submitter. Criteria: ACMG Guidelines, 2015. Collection method: clinical testing. Allele origin: germline.

Department of Pathology and Laboratory Medicine, Sinai Health System
Classification: Likely benign for POLD1-related polyposis and colorectal cancer syndrome; Mandibular hypoplasia-deafness-progeroid syndrome; Immunodeficiency 120. Last evaluated: 2022-11-29. Review status: criteria provided, single submitter. Criteria: ACMG Guidelines, 2015. Collection method: clinical testing. Allele origin: germline. Affected: yes.

Sema4
Classification: Benign for Hereditary cancer-predisposing syndrome. Last evaluated: 2020-11-30. Review status: criteria provided, single submitter. Criteria: Sema4 Curation Guidelines. Collection method: curation. Allele origin: germline.

GeneDx
Classification: Likely benign. Last evaluated: 2020-06-01. Review status: criteria provided, single submitter. Criteria: GeneDx Variant Classification Process June 2021. Collection method: clinical testing. Allele origin: germline. Affected: yes.

Quest Diagnostics Nichols Institute San Juan Capistrano
Classification: Benign. Last evaluated: 2017-07-20. Review status: criteria provided, single submitter. Criteria: Quest Diagnostics criteria. Collection method: clinical testing. Allele origin: germline.

PreventionGenetics, part of Exact Sciences
Classification: Likely benign. Last evaluated: 2017-05-25. Review status: criteria provided, single submitter. Criteria: ACMG Guidelines, 2015. Collection method: clinical testing. Allele origin: germline.

Ambry Genetics
Classification: Likely benign for Hereditary cancer-predisposing syndrome. Last evaluated: 2015-12-21. Review status: criteria provided, single submitter. Criteria: Ambry Variant Classification Scheme 2023. Collection method: clinical testing. Allele origin: germline.

NM_002691.4(POLD1):c.945C>T (p.Phe315=)

Gene: POLD1 (DNA polymerase delta 1, catalytic subunit; plus strand). Cytogenetic location: 19q13.33.
Variant type: single nucleotide variant.
Coding change: c.945C>T on transcript NM_002691.4 (MANE Select); coding-DNA position 945, C replaced by T.
Protein change: p.Phe315=; no amino-acid change (phenylalanine 315 retained).
Molecular consequence: synonymous variant. On other transcripts: non-coding transcript variant (1).
Genome position (GRCh38, 1-based): chr19:50,402,716, C>T. VCF-style: chr19-50402716-C-T. GRCh37 (hg19) VCF-style: chr19-50905973-C-T.
Other names: c.945C>T, p.Phe315= (NM_001256849.1, NM_001308632.1).
Identifiers: ClinVar variation 381620 (VCV000381620.29), dbSNP rs150116169, ClinGen allele CA9595960.